The following is an entry in ClinVar:

NM_004370.6(COL12A1):c.7087-5T>G

Genes: COL12A1 (collagen type XII alpha 1 chain; minus strand), LOC126859712 (MED14-independent group 3 enhancer GRCh37_chr6:75828643-75829842; plus strand). Cytogenetic location: 6q13.
Variant type: single nucleotide variant.
Coding change: c.7087-5T>G on transcript NM_004370.6 (MANE Select); 5 bases into the intron before coding-DNA position 7087, T replaced by G.
Molecular consequence: intron variant.
Genome position (GRCh38, 1-based): chr6:75,119,478, A>C on the plus strand (T>G on the coding strand, the complement: COL12A1 is on the minus strand). VCF-style: chr6-75119478-A-C. GRCh37 (hg19) VCF-style: chr6-75829194-A-C.
Other names: c.3595-5T>G (NM_080645.3).
Identifiers: ClinVar variation 1394232 (VCV001394232.6), dbSNP rs1410734553, ClinGen allele CA2573141222.

ClinVar aggregate classification (germline): Uncertain significance (1 of 4 stars; one submission).

Conditions:
Ullrich congenital muscular dystrophy 2 (UCMD2). Identifiers: Orphanet 75840, MedGen C4225314, MONDO:0014654, OMIM 616470.
Bethlem myopathy 2 (BTHLM2). Identifiers: Orphanet 536516, Orphanet 610, MedGen C4225313, MONDO:0034022, OMIM 616471.

Submission:

Labcorp Genetics (formerly Invitae), Labcorp
Classification: Uncertain significance for Bethlem myopathy 2; Ullrich congenital muscular dystrophy 2. Last evaluated: 2022-02-08. Review status: criteria provided, single submitter. Criteria: Invitae Variant Classification Sherloc (09022015). Collection method: clinical testing. Allele origin: germline.
Comment: In summary, the available evidence is currently insufficient to determine the role of this variant in disease. Therefore, it has been classified as a Variant of Uncertain Significance. This sequence change falls in intron 44 of the COL12A1 gene. It does not directly change the encoded amino acid sequence of the COL12A1 protein. This variant is not present in population databases (gnomAD no frequency). This variant has not been reported in the literature in individuals affected with COL12A1-related conditions. Algorithms developed to predict the effect of sequence changes on RNA splicing suggest that this variant may disrupt the consensus splice site.